The following is an entry in ClinVar:

ClinVar aggregate classification (germline): Pathogenic (1 of 4 stars; one submission).

Conditions:
Hereditary diffuse gastric adenocarcinoma (HDGC). Also called: DIFFUSE GASTRIC AND LOBULAR BREAST CANCER SYNDROME. Identifiers: Orphanet 26106, MedGen C1708349, MONDO:0007648, OMIM 137215.

Submission:

Labcorp Genetics (formerly Invitae), Labcorp
Classification: Pathogenic for Hereditary diffuse gastric adenocarcinoma. Last evaluated: 2023-09-14. Review status: criteria provided, single submitter. Criteria: Invitae Variant Classification Sherloc (09022015). Collection method: clinical testing. Allele origin: germline.
Comment: For these reasons, this variant has been classified as Pathogenic. This variant disrupt the cytoplasmic domain of the CDH1 (E-cadherin) protein, including the PIP5K1C and CTNNB1 binding domains (PMID: 22850631, 19268661) which are necessary for E-cadherin function. While functional studies have not been performed to directly test the effect of this variant on CDH1 protein function, this suggests that disruption of this region of the protein is causative of disease. A similar copy number variant has been observed in individuals with diffuse gastric cancer, gastric cancer of unknown histology, and lobular breast cancer (PMID: 19168852). This variant is a gross deletion of the genomic region encompassing exon(s) 16 of the CDH1 gene, which includes the termination codon. This deletion extends beyond the assayed region for this gene and therefore may encompass additional genes. While this deletion is not anticipated to lead to nonsense mediated decay, it is expected to alter mRNA translation or result in a truncated protein product.

Literature cited by the submitters: PubMed 22850631; PubMed 19268661; PubMed 19168852.

NC_000016.9:g.(?_68867183)_(68867402_?)del

Gene: CDH1 (cadherin 1; plus strand). Cytogenetic location: 16q22.1.
Variant type: Deletion.
Identifiers: ClinVar variation 1076986 (VCV001076986.7).